The following is an entry in ClinVar:

NM_182493.3(MYLK3):c.2382A>G (p.Ile794Met)

Gene: MYLK3 (myosin light chain kinase 3; minus strand). Cytogenetic location: 16q11.2.
Variant type: single nucleotide variant.
Coding change: c.2382A>G on transcript NM_182493.3 (MANE Select); coding-DNA position 2382, A replaced by G.
Protein change: p.Ile794Met; replaces isoleucine 794 with methionine.
Molecular consequence: missense variant.
Genome position (GRCh38, 1-based): chr16:46,709,557, T>C on the plus strand (A>G on the coding strand, the complement: MYLK3 is on the minus strand). VCF-style: chr16-46709557-T-C. GRCh37 (hg19) VCF-style: chr16-46743469-T-C.
Other names: c.1359A>G, p.Ile453Met (NM_001308301.1); short protein forms I453M, I794M.
Identifiers: ClinVar variation 4697277 (VCV004697277.1).

ClinVar aggregate classification (germline): Uncertain significance (1 of 4 stars; one submission).

gnomAD v4.1: 4 of 1,613,942 alleles (0.00025%); highest among the groups gnomAD compares: Non-Finnish European, 0.00034%; no homozygotes.

Submission:

Labcorp Genetics (formerly Invitae), Labcorp
Classification: Uncertain significance. Last evaluated: 2025-09-21. Review status: criteria provided, single submitter. Criteria: Invitae Variant Classification Sherloc (09022015). Collection method: clinical testing. Allele origin: germline.
Comment: This sequence change replaces isoleucine, which is neutral and non-polar, with methionine, which is neutral and non-polar, at codon 794 of the MYLK3 protein (p.Ile794Met). This variant is present in population databases (no rsID available, gnomAD 0.007%). This variant has not been reported in the literature in individuals affected with MYLK3-related conditions. An algorithm developed to predict the effect of missense changes on protein structure and function outputs the following: PolyPhen-2: "Benign". The methionine amino acid residue is found in multiple mammalian species, which suggests that this missense change does not adversely affect protein function. In summary, the available evidence is currently insufficient to determine the role of this variant in disease. Therefore, it has been classified as a Variant of Uncertain Significance.